The following is an entry in ClinVar:

ClinVar aggregate classification (germline): Uncertain significance (1 of 4 stars; one submission).

Conditions:
Cardiovascular phenotype. Identifiers: MedGen CN230736.

gnomAD v4.1: 6 of 1,505,294 alleles (0.0004%); highest among the groups gnomAD compares: Non-Finnish European, 0.00053%; no homozygotes.

Submission:

Ambry Genetics
Classification: Uncertain significance for Cardiovascular phenotype. Last evaluated: 2025-06-22. Review status: criteria provided, single submitter. Criteria: Ambry Variant Classification Scheme 2023. Collection method: clinical testing. Allele origin: germline.
Comment: The p.A96V variant (also known as c.287C>T), located in coding exon 2 of the TBX1 gene, results from a C to T substitution at nucleotide position 287. The alanine at codon 96 is replaced by valine, an amino acid with similar properties. This amino acid position is conserved. In addition, this alteration is predicted to be tolerated by in silico analysis. Based on the available evidence, the clinical significance of this variant remains unclear.

NM_001379200.1(TBX1):c.314C>T (p.Ala105Val)

Gene: TBX1 (T-box transcription factor 1; plus strand). Cytogenetic location: 22q11.21.
Variant type: single nucleotide variant.
Coding change: c.314C>T on transcript NM_001379200.1 (MANE Select); coding-DNA position 314, C replaced by T.
Protein change: p.Ala105Val; replaces alanine 105 with valine.
Molecular consequence: missense variant.
Genome position (GRCh38, 1-based): chr22:19,761,157, C>T. VCF-style: chr22-19761157-C-T. GRCh37 (hg19) VCF-style: chr22-19748680-C-T.
Other names: c.287C>T, p.Ala96Val (NM_005992.1, NM_080646.2, NM_080647.1); short protein forms A96V, A105V.
Identifiers: ClinVar variation 4181190 (VCV004181190.1).